The following is an entry in ClinVar:

ClinVar aggregate classification (germline): Uncertain significance. Review status: criteria provided, multiple submitters, no conflicts (2 of 4 stars). 3 submissions from 3 submitters: Uncertain significance (3). Last evaluated 2026-04-15.

Conditions:
TANGO2-related disorder. Also called: TANGO2-related condition.

Allele frequency attached by ClinVar (database versions not stated): gnomAD exomes below 0.00001; TOPMed below 0.00001.
gnomAD v4.1: 1 of 1,614,218 alleles (0.000062%); highest among the groups gnomAD compares: Non-Finnish European, 0.000085%; no homozygotes.

Submissions (3):

PreventionGenetics, part of Exact Sciences
Classification: Uncertain significance for TANGO2-related condition. Last evaluated: 2026-04-15. Review status: criteria provided, single submitter. Criteria: ACMG Guidelines, 2015. Collection method: clinical testing. Allele origin: germline.
Comment: The TANGO2 c.11T>A variant is predicted to result in the amino acid substitution p.Ile4Asn. To our knowledge, this variant has not been reported in the literature or in a large population database (gnomAD), indicating this variant is rare. At this time, the clinical significance of this variant is uncertain due to the absence of conclusive functional and genetic evidence.

Labcorp Genetics (formerly Invitae), Labcorp
Classification: Uncertain significance. Last evaluated: 2022-10-19. Review status: criteria provided, single submitter. Criteria: Invitae Variant Classification Sherloc (09022015). Collection method: clinical testing. Allele origin: germline.
Comment: Algorithms developed to predict the effect of missense changes on protein structure and function are either unavailable or do not agree on the potential impact of this missense change (SIFT: "Not Available"; PolyPhen-2: "Probably Damaging"; Align-GVGD: "Not Available"). In summary, the available evidence is currently insufficient to determine the role of this variant in disease. Therefore, it has been classified as a Variant of Uncertain Significance. ClinVar contains an entry for this variant (Variation ID: 392250). This sequence change replaces isoleucine, which is neutral and non-polar, with asparagine, which is neutral and polar, at codon 4 of the TANGO2 protein (p.Ile4Asn). This variant is not present in population databases (gnomAD no frequency). This variant has not been reported in the literature in individuals affected with TANGO2-related conditions.

GeneDx
Classification: Uncertain significance. Last evaluated: 2019-06-12. Review status: criteria provided, single submitter. Criteria: GeneDx Variant Classification Process June 2021. Collection method: clinical testing. Allele origin: germline. Affected: yes.
Comment: Not observed in large population cohorts (Lek et al., 2016); In silico analysis, which includes protein predictors and evolutionary conservation, supports a deleterious effect; Has not been previously published as pathogenic or benign to our knowledge

NM_152906.7(TANGO2):c.11T>A (p.Ile4Asn)

Gene: TANGO2 (transport and golgi organization 2 homolog; plus strand). Cytogenetic location: 22q11.21.
Variant type: single nucleotide variant.
Coding change: c.11T>A on transcript NM_152906.7 (MANE Select); coding-DNA position 11, T replaced by A.
Protein change: p.Ile4Asn; replaces isoleucine 4 with asparagine.
Molecular consequence: missense variant. On other transcripts: 5 prime UTR variant (20), non-coding transcript variant (5).
Genome position (GRCh38, 1-based): chr22:20,036,809, T>A. VCF-style: chr22-20036809-T-A. GRCh37 (hg19) VCF-style: chr22-20024332-T-A.
Other names: c.11T>A, p.Ile4Asn (NM_001283106.3, NM_001283116.3, NM_001283148.3 and 10 more transcripts); c.-107T>A (NM_001283129.3, NM_001283215.3, NM_001322141.2 and 5 more transcripts); c.-169T>A (NM_001283235.3, NM_001322146.2, NM_001322153.2 and 5 more transcripts); c.-409T>A (NM_001322148.2, NM_001322150.2, NM_001322172.2 and 1 more transcripts); c.11T>A (NM_152906.6); short protein forms I4N.
Identifiers: ClinVar variation 392250 (VCV000392250.9), dbSNP rs1057524410, ClinGen allele CA16609076.